The following is an entry in ClinVar:

ClinVar aggregate classification (germline): Uncertain significance. Review status: criteria provided, multiple submitters, no conflicts (2 of 4 stars). 2 submissions from 2 submitters: Uncertain significance (2). Last evaluated 2021-06-21.

Conditions:
Neuropathy, hereditary motor and sensory, type 6B (HMSN6B). Also called: HMSN VIB; CHARCOT-MARIE-TOOTH DISEASE, TYPE 6B; NEUROPATHY, HEREDITARY MOTOR AND SENSORY, TYPE VIB, WITH OPTIC ATROPHY; Neuropathy, hereditary motor and sensory, type VIB. Identifiers: MedGen C4225302, MONDO:0014671, OMIM 616505.
Inborn genetic diseases. Identifiers: MedGen C0950123, MeSH D030342.

Submissions (2):

Labcorp Genetics (formerly Invitae), Labcorp
Classification: Uncertain significance for Neuropathy, hereditary motor and sensory, type 6B. Last evaluated: 2021-06-21. Review status: criteria provided, single submitter. Criteria: Invitae Variant Classification Sherloc (09022015). Collection method: clinical testing. Allele origin: germline.
Comment: In summary, the available evidence is currently insufficient to determine the role of this variant in disease. Therefore, it has been classified as a Variant of Uncertain Significance. Algorithms developed to predict the effect of missense changes on protein structure and function (SIFT, PolyPhen-2, Align-GVGD) all suggest that this variant is likely to be tolerated, but these predictions have not been confirmed by published functional studies and their clinical significance is uncertain. This variant has not been reported in the literature in individuals with SLC25A46-related conditions. This variant is not present in population databases (ExAC no frequency). This sequence change replaces lysine with threonine at codon 241 of the SLC25A46 protein (p.Lys241Thr). The lysine residue is moderately conserved and there is a moderate physicochemical difference between lysine and threonine.

Ambry Genetics
Classification: Uncertain significance for Inborn genetic diseases. Last evaluated: 2020-09-16. Review status: criteria provided, single submitter. Criteria: Ambry Variant Classification Scheme 2023. Collection method: clinical testing. Allele origin: germline.
Comment: The p.K241T variant (also known as c.722A>C), located in coding exon 8 of the SLC25A46 gene, results from an A to C substitution at nucleotide position 722. The lysine at codon 241 is replaced by threonine, an amino acid with similar properties. This amino acid position is well conserved in available vertebrate species. In addition, the in silico prediction for this alteration is inconclusive. Since supporting evidence is limited at this time, the clinical significance of this alteration remains unclear.

NM_138773.4(SLC25A46):c.722A>C (p.Lys241Thr)

Gene: SLC25A46 (solute carrier family 25 member 46; plus strand). Cytogenetic location: 5q22.1.
Variant type: single nucleotide variant.
Coding change: c.722A>C on transcript NM_138773.4 (MANE Select); coding-DNA position 722, A replaced by C.
Protein change: p.Lys241Thr; replaces lysine 241 with threonine.
Molecular consequence: missense variant. On other transcripts: non-coding transcript variant (1), intron variant (1).
Genome position (GRCh38, 1-based): chr5:110,761,247, A>C. VCF-style: chr5-110761247-A-C. GRCh37 (hg19) VCF-style: chr5-110096947-A-C.
Other names: c.449A>C, p.Lys150Thr (NM_001303250.3); c.679-200A>C (NM_001303249.3); short protein forms K241T, K150T.
Identifiers: ClinVar variation 1362909 (VCV001362909.10), dbSNP rs2150419004, ClinGen allele CA360696067.
Genomic context (GRCh38, chr5:110,761,247, plus strand): 5'-CATCATTTTTATTTCAGAGTGAGATAATTCGAGATAATACTGGCATTTTGGAGTGTGTTA[A>C]AGAAGGAATTGGAAGAGTGATAGGCATGGGAGTGCCTCATAGCAAACGACTTCTTCCGCT-3'
Protein context (NP_620128.1, residues 231-251): RDNTGILECV[Lys241Thr]EGIGRVIGMG